The following is an entry in ClinVar:

ClinVar aggregate classification (germline): Uncertain significance (1 of 4 stars; one submission).

Conditions:
Early-infantile DEE. Also called: Early infantile epileptic encephalopathy; Early infantile epileptic encephalopathy with suppression bursts; Ohtahara syndrome. Identifiers: Orphanet 1934, MedGen C0393706, MONDO:0800491.

gnomAD v4.1: 3 of 1,612,900 alleles (0.00019%); highest among the groups gnomAD compares: African/African-American, 0.004%; no homozygotes.

Submission:

Labcorp Genetics (formerly Invitae), Labcorp
Classification: Uncertain significance for Early-infantile DEE. Last evaluated: 2024-09-06. Review status: criteria provided, single submitter. Criteria: Invitae Variant Classification Sherloc (09022015). Collection method: clinical testing. Allele origin: germline.
Comment: This sequence change replaces serine, which is neutral and polar, with glycine, which is neutral and non-polar, at codon 705 of the HCN1 protein (p.Ser705Gly). This variant is not present in population databases (gnomAD no frequency). This variant has not been reported in the literature in individuals affected with HCN1-related conditions. Invitae Evidence Modeling of protein sequence and biophysical properties (such as structural, functional, and spatial information, amino acid conservation, physicochemical variation, residue mobility, and thermodynamic stability) indicates that this missense variant is not expected to disrupt HCN1 protein function with a negative predictive value of 80%. In summary, the available evidence is currently insufficient to determine the role of this variant in disease. Therefore, it has been classified as a Variant of Uncertain Significance.

NM_021072.4(HCN1):c.2113A>G (p.Ser705Gly)

Gene: HCN1 (hyperpolarization activated cyclic nucleotide gated potassium channel 1; minus strand). Cytogenetic location: 5p12.
Variant type: single nucleotide variant.
Coding change: c.2113A>G on transcript NM_021072.4 (MANE Select); coding-DNA position 2113, A replaced by G.
Protein change: p.Ser705Gly; replaces serine 705 with glycine.
Molecular consequence: missense variant.
Genome position (GRCh38, 1-based): chr5:45,262,481, T>C on the plus strand (A>G on the coding strand, the complement: HCN1 is on the minus strand). VCF-style: chr5-45262481-T-C. GRCh37 (hg19) VCF-style: chr5-45262583-T-C.
Other names: short protein forms S705G.
Identifiers: ClinVar variation 3705048 (VCV003705048.2).